The following is an entry in ClinVar:

NM_000051.4(ATM):c.3569del (p.Val1190fs)

Gene: ATM (ATM serine/threonine kinase; plus strand). Cytogenetic location: 11q22.3.
Variant type: Deletion.
Coding change: c.3569del on transcript NM_000051.4 (MANE Select); coding-DNA position 3569, one base deleted (T; older notation c.3569delT).
Protein change: p.Val1190fs; shifts the reading frame from valine 1190.
Molecular consequence: frameshift variant.
Genome position (GRCh38, 1-based): chr11:108,281,161, T deleted. VCF-style (leftmost placement, unchanged base first): chr11-108281160-GT-G. GRCh37 (hg19) VCF-style: chr11-108151887-GT-G.
Other names: c.3569del, p.Val1190fs (NM_001351834.2); short protein forms V1190fs.
Identifiers: ClinVar variation 1709198 (VCV001709198.4), dbSNP rs2546871640, ClinGen allele CA2580083224.
Genomic context (GRCh38, chr11:108,281,160, plus strand): 5'-AAACAGGCTTTGTTTGCCCTGTGTAAATCTGTGAAAGAGAATGGATTAGAACCTCACCTT[GT>G]GAAAAAGGTATATATGGATGAGTATTTTATTAGAAGCTTCCTTAGGTCACTGTGAAATAA-3'

ClinVar aggregate classification (germline): Pathogenic/Likely pathogenic. Review status: criteria provided, multiple submitters, no conflicts (2 of 4 stars). 3 submissions from 3 submitters: Pathogenic (2); Likely pathogenic (1). Last evaluated 2024-09-04.

Conditions:
Hereditary cancer-predisposing syndrome. Also called: Tumor predisposition; Neoplastic Syndromes, Hereditary; Hereditary Cancer Syndrome; Hereditary neoplastic syndrome. Identifiers: Orphanet 140162, MedGen C0027672, MeSH D009386, MONDO:0015356.
Familial cancer of breast. Also called: hereditary breast carcinoma; Hereditary breast cancer; BREAST CANCER, FAMILIAL. Identifiers: Orphanet 227535, MedGen C0346153, MONDO:0016419, OMIM 114480. Disease mechanism: loss of function.

Submissions (3):

Color Diagnostics, LLC DBA Color Health
Classification: Pathogenic for Hereditary cancer-predisposing syndrome. Last evaluated: 2024-09-04. Review status: criteria provided, single submitter. Criteria: ACMG Guidelines, 2015. Collection method: clinical testing. Allele origin: germline.
Comment: This variant deletes 1 nucleotide in exon 24/63 of the ATM gene, creating a frameshift and premature translation stop signal. This variant is expected to result in an absent or non-functional protein product. This variant has been reported in an individual affected with ataxia-telangiectasia (PMID: 21665257). This variant has not been identified in the general population by the Genome Aggregation Database (gnomAD). Loss of ATM function is a known mechanism of disease. Based on the available evidence, this variant is classified as Pathogenic.

Ambry Genetics
Classification: Pathogenic for Hereditary cancer-predisposing syndrome. Last evaluated: 2024-04-15. Review status: criteria provided, single submitter. Criteria: Ambry Variant Classification Scheme 2023. Collection method: clinical testing. Allele origin: germline.
Comment: The c.3569delT pathogenic mutation, located in coding exon 23 of the ATM gene, results from a deletion of one nucleotide at nucleotide position 3569, causing a translational frameshift with a predicted alternate stop codon (p.V1190Gfs*5). This variant has been identified in conjunction with another ATM variant in an individual who met clinical criteria for ataxia telangiectasia; the variants were identified in trans (Micol R et al. J Allergy Clin Immunol, 2011 Aug;128:382-9.e1). In addition to the clinical data presented in the literature, this variant is considered to be rare based on population cohorts in the Genome Aggregation Database (gnomAD). This alteration is expected to result in loss of function by premature protein truncation or nonsense-mediated mRNA decay. As such, this alteration is interpreted as a disease-causing mutation.

MGZ Medical Genetics Center
Classification: Likely pathogenic for Familial cancer of breast. Last evaluated: 2022-02-23. Review status: criteria provided, single submitter. Criteria: ACMG Guidelines, 2015. Collection method: clinical testing. Allele origin: germline. Affected: yes. Observed: 1 variant allele.
Comment: ACMG criteria applied: PVS1, PM2_SUP

Literature cited by the submitters: PubMed 21665257 (cited by Color Diagnostics, LLC DBA Color Health and Ambry Genetics).